The following is an entry in ClinVar:

ClinVar aggregate classification (germline): Uncertain significance. Review status: criteria provided, multiple submitters, no conflicts (2 of 4 stars). 2 submissions from 2 submitters: Uncertain significance (2). Last evaluated 2023-09-13.

Conditions:
Joubert syndrome 25 (JBTS25). Identifiers: Orphanet 475, MedGen C4084842, MONDO:0014770, OMIM 616781.

gnomAD v4.1: 10 of 1,607,448 alleles (0.00062%); highest among the groups gnomAD compares: Middle Eastern, 0.05%; no homozygotes.

Submissions (2):

Revvity Omics, Revvity
Classification: Uncertain significance. Last evaluated: 2023-09-13. Review status: criteria provided, single submitter. Criteria: ACMG Guidelines, 2015. Collection method: clinical testing. Allele origin: germline.

Labcorp Genetics (formerly Invitae), Labcorp
Classification: Uncertain significance for Joubert syndrome 25. Last evaluated: 2021-01-27. Review status: criteria provided, single submitter. Criteria: Invitae Variant Classification Sherloc (09022015). Collection method: clinical testing. Allele origin: germline.
Comment: This variant has not been reported in the literature in individuals with CEP104-related conditions. This variant is present in population databases (rs754145994, ExAC 0.002%). This sequence change replaces alanine with valine at codon 895 of the CEP104 protein (p.Ala895Val). The alanine residue is weakly conserved and there is a small physicochemical difference between alanine and valine. Algorithms developed to predict the effect of missense changes on protein structure and function (SIFT, PolyPhen-2, Align-GVGD) all suggest that this variant is likely to be tolerated, but these predictions have not been confirmed by published functional studies and their clinical significance is uncertain. In summary, the available evidence is currently insufficient to determine the role of this variant in disease. Therefore, it has been classified as a Variant of Uncertain Significance.

NM_014704.4(CEP104):c.2684C>T (p.Ala895Val)

Gene: CEP104 (centrosomal protein 104; minus strand). Cytogenetic location: 1p36.32.
Variant type: single nucleotide variant.
Coding change: c.2684C>T on transcript NM_014704.4 (MANE Select); coding-DNA position 2684, C replaced by T.
Protein change: p.Ala895Val; replaces alanine 895 with valine.
Molecular consequence: missense variant.
Genome position (GRCh38, 1-based): chr1:3,815,496, G>A on the plus strand (C>T on the coding strand, the complement: CEP104 is on the minus strand). VCF-style: chr1-3815496-G-A. GRCh37 (hg19) VCF-style: chr1-3732060-G-A.
Other names: short protein forms A895V.
Identifiers: ClinVar variation 1353494 (VCV001353494.9), dbSNP rs754145994, ClinGen allele CA551186.